The following is an entry in ClinVar:

ClinVar aggregate classification (germline): Uncertain significance. Review status: criteria provided, multiple submitters, no conflicts (2 of 4 stars). 2 submissions from 2 submitters: Uncertain significance (2). Last evaluated 2024-04-04.

Conditions:
Juvenile polyposis syndrome (JPS). Identifiers: Orphanet 2929, MedGen C0345893, MONDO:0017380, OMIM 174900.
Hereditary cancer-predisposing syndrome. Also called: Hereditary neoplastic syndrome; Neoplastic Syndromes, Hereditary; Tumor predisposition; Hereditary Cancer Syndrome. Identifiers: Orphanet 140162, MedGen C0027672, MeSH D009386, MONDO:0015356.

Submissions (2):

Ambry Genetics
Classification: Uncertain significance for Hereditary cancer-predisposing syndrome. Last evaluated: 2024-04-04. Review status: criteria provided, single submitter. Criteria: Ambry Variant Classification Scheme 2023. Collection method: clinical testing. Allele origin: germline.
Comment: The p.Y467H variant (also known as c.1399T>C), located in coding exon 10 of the BMPR1A gene, results from a T to C substitution at nucleotide position 1399. The tyrosine at codon 467 is replaced by histidine, an amino acid with similar properties. This amino acid position is conserved. In addition, this alteration is predicted to be deleterious by in silico analysis. Based on the available evidence, the clinical significance of this variant remains unclear.

Labcorp Genetics (formerly Invitae), Labcorp
Classification: Uncertain significance for Juvenile polyposis syndrome. Last evaluated: 2022-05-21. Review status: criteria provided, single submitter. Criteria: Invitae Variant Classification Sherloc (09022015). Collection method: clinical testing. Allele origin: germline.
Comment: This variant is not present in population databases (gnomAD no frequency). This sequence change replaces tyrosine, which is neutral and polar, with histidine, which is basic and polar, at codon 467 of the BMPR1A protein (p.Tyr467His). This variant has not been reported in the literature in individuals affected with BMPR1A-related conditions. Algorithms developed to predict the effect of missense changes on protein structure and function are either unavailable or do not agree on the potential impact of this missense change (SIFT: "Tolerated"; PolyPhen-2: "Probably Damaging"; Align-GVGD: "Class C0"). In summary, the available evidence is currently insufficient to determine the role of this variant in disease. Therefore, it has been classified as a Variant of Uncertain Significance.

NM_004329.3(BMPR1A):c.1399T>C (p.Tyr467His)

Gene: BMPR1A (bone morphogenetic protein receptor type 1A; plus strand). Cytogenetic location: 10q23.2.
Variant type: single nucleotide variant.
Coding change: c.1399T>C on transcript NM_004329.3 (MANE Select); coding-DNA position 1399, T replaced by C.
Protein change: p.Tyr467His; replaces tyrosine 467 with histidine.
Molecular consequence: missense variant.
Genome position (GRCh38, 1-based): chr10:86,923,432, T>C. VCF-style: chr10-86923432-T-C. GRCh37 (hg19) VCF-style: chr10-88683189-T-C.
Other names: c.1474T>C, p.Tyr492His (NM_001406559.1); c.1447T>C, p.Tyr483His (NM_001406560.1); c.1399T>C, p.Tyr467His (NM_001406561.1, NM_001406562.1, NM_001406563.1 and 19 more transcripts); c.1393T>C, p.Tyr465His (NM_001406583.1); c.1315T>C, p.Tyr439His (NM_001406584.1, NM_001406585.1, NM_001406586.1 and 2 more transcripts); c.1057T>C, p.Tyr353His (NM_001406589.1); short protein forms Y467H, Y483H, Y353H, Y439H, Y465H, Y492H.
Identifiers: ClinVar variation 1968766 (VCV001968766.6), dbSNP rs2539648750, ClinGen allele CA377462902.